The following is an entry in ClinVar:

NM_024408.4(NOTCH2):c.6909dup (p.Ile2304fs)

Gene: NOTCH2 (notch receptor 2; minus strand). Cytogenetic location: 1p12.
Variant type: Duplication.
Coding change: c.6909dup on transcript NM_024408.4 (MANE Select); coding-DNA position 6909, one base duplicated (C; older notation c.6909dupC).
Protein change: p.Ile2304fs; shifts the reading frame from isoleucine 2304.
Molecular consequence: frameshift variant.
Genome position (GRCh38, 1-based): chr1:119,915,813, G duplicated on the plus strand (C on the coding strand, the reverse complement: NOTCH2 is on the minus strand); the first of 6 consecutive G bases (chr1:119,915,813-119,915,818); duplicating any one gives the same sequence. VCF-style (leftmost placement, unchanged base first): chr1-119915812-T-TG. GRCh37 (hg19) VCF-style: chr1-120458435-T-TG.
Other names: c.6909dup (NM_024408.3); short protein forms I2304fs.
Identifiers: ClinVar variation 223003 (VCV000223003.4), dbSNP rs771237928, ClinGen allele CA352174.

ClinVar aggregate classification (germline): Pathogenic/Likely pathogenic. Review status: criteria provided, multiple submitters, no conflicts (2 of 4 stars). 4 submissions from 4 submitters: Pathogenic (2); Likely pathogenic (1). 1 of the submissions does not count toward it. Last evaluated 2024-07-10.

Conditions:
Hajdu-Cheney syndrome (HJCYS). Also called: Acroosteolysis dominant type; ACROOSTEOLYSIS WITH OSTEOPOROSIS AND CHANGES IN SKULL AND MANDIBLE; SERPENTINE FIBULA-POLYCYSTIC KIDNEY SYNDROME. Identifiers: Orphanet 955, MedGen C0917715, MONDO:0007057, OMIM 102500.
Monoclonal B-Cell Lymphocytosis. Identifiers: MedGen C2698259.

Submissions (4):

GeneDx
Classification: Pathogenic. Last evaluated: 2024-07-10. Review status: criteria provided, single submitter. Criteria: GeneDx Variant Classification Process June 2021. Collection method: clinical testing. Allele origin: germline. Affected: yes.
Comment: Frameshift variant in the last exon of NOTCH2 predicted to result in protein truncation, as the last 168 amino acids are replaced with 8 different amino acids; protein-truncating or frameshift variants that remove or disrupt the PEST domain sequence are predicted to result in a gain-of-function and are associated with HCS/SFPKS (PMID: 21378985, 27241678); Not observed at significant frequency in large population cohorts (gnomAD); This variant is associated with the following publications: (PMID: 21378985, 27241678, 22891276, 25141821, 30534535, 29618366, 34586000, 32145092, 33520214, 36232677, 27312922)

3billion
Classification: Likely pathogenic for Hajdu-Cheney syndrome. Last evaluated: 2022-05-22. Review status: criteria provided, single submitter. Criteria: ACMG Guidelines, 2015. Collection method: clinical testing. Allele origin: germline. Affected: yes. Observed: 1 heterozygote.
Comment: The variant is not observed in the gnomAD v2.1.1 dataset. Frameshift: predicted to result in a loss or disruption of normal protein function through protein truncation. The predicted truncated protein may be shortened by less than 10%. The variant has been previously reported as assumed (i.e. paternity and maternity not confirmed) de novo in at least one similarly affected unrelated individual (PMID:27312922). The variant has been reported to be associated with NOTCH2- related disorder (ClinVar ID: VCV000223003 / PMID: 27312922). Therefore, this variant is classified as likely pathogenic according to the recommendation of ACMG/AMP guideline.

Labcorp Genetics (formerly Invitae), Labcorp
Classification: Pathogenic for Hajdu-Cheney syndrome. Last evaluated: 2017-09-29. Review status: criteria provided, single submitter. Criteria: Invitae Variant Classification Sherloc (09022015). Collection method: clinical testing. Allele origin: germline.
Comment: This sequence change results in a premature translational stop signal in the NOTCH2 gene (p.Ile2304Hisfs*9). While this is not anticipated to result in nonsense mediated decay, it is expected to disrupt the last 168 amino acids of the NOTCH2 protein. The frequency data for this variant in the population databases is considered unreliable, as metrics indicate poor data quality at this position in the ExAC database. This variant has been reported to be de novo in an individual affected with Hajdu-Cheney syndrome (HCS) (PMID: 27312922). Multiple truncating variants in the last exon of NOTCH2 have been reported in individuals with HCS resulting in deletion of the PEST (proline(P), glutamic acid(E), serine(S), threonine(T)) domain at the C-terminus which regulates the Notch intracellular domain (NICD) with ankyrin repeats (PMID: 21378989, 21378985, 8755249). Specifically, PEST domains are implicated in mediating proteosomal degradation of proteins with ankyrin-repeat domains, and loss of this PEST domain is expected to result in a stable, functional but constitutively active NICD in the NOTCH2 protein (PMID: 21378989, 8755249). For these reasons, this variant has been classified as Pathogenic.

Karsan Lab, BC Cancer Agency
Classification: Pathogenic for Monoclonal B-Cell Lymphocytosis. Last evaluated: 2015-12-15. Review status: no assertion criteria provided. Collection method: research. Allele origin: somatic. Affected: yes. Study: BCCA Personal OncoGenomics. Not counted in ClinVar's aggregate classification.

Literature cited by the submitters: PubMed 27312922 (cited by 3billion and Labcorp Genetics (formerly Invitae), Labcorp); PubMed 21378985 (cited by Labcorp Genetics (formerly Invitae), Labcorp); PubMed 21378989 (cited by Labcorp Genetics (formerly Invitae), Labcorp); PubMed 8755249 (cited by Labcorp Genetics (formerly Invitae), Labcorp); PubMed 22891276 (cited by Karsan Lab, BC Cancer Agency); PubMed 22891273 (cited by Karsan Lab, BC Cancer Agency).